The following is an entry in ClinVar:

NM_015512.5(DNAH1):c.4654G>C (p.Gly1552Arg)

Gene: DNAH1 (dynein axonemal heavy chain 1; plus strand). Cytogenetic location: 3p21.1.
Variant type: single nucleotide variant.
Coding change: c.4654G>C on transcript NM_015512.5 (MANE Select); coding-DNA position 4654, G replaced by C.
Protein change: p.Gly1552Arg; replaces glycine 1552 with arginine.
Molecular consequence: missense variant.
Genome position (GRCh38, 1-based): chr3:52,360,393, G>C. VCF-style: chr3-52360393-G-C. GRCh37 (hg19) VCF-style: chr3-52394409-G-C.
Other names: short protein forms G1552R.
Identifiers: ClinVar variation 1465515 (VCV001465515.6), dbSNP rs1702805434, ClinGen allele CA353132389.

ClinVar aggregate classification (germline): Uncertain significance (1 of 4 stars; one submission).

Conditions:
Spermatogenic failure 18. Identifiers: MedGen C4539783, MONDO:0054615, OMIM 617576.
Ciliary dyskinesia, primary, 37 (CILD37). Also called: CILIARY DYSKINESIA, PRIMARY, 37, WITH OR WITHOUT SITUS INVERSUS. Identifiers: MedGen C4539798, MONDO:0033204, OMIM 617577.

Allele frequency attached by ClinVar (database versions not stated): TOPMed below 0.00001.

Submission:

Labcorp Genetics (formerly Invitae), Labcorp
Classification: Uncertain significance for Ciliary dyskinesia, primary, 37; Spermatogenic failure 18. Last evaluated: 2022-07-19. Review status: criteria provided, single submitter. Criteria: Invitae Variant Classification Sherloc (09022015). Collection method: clinical testing. Allele origin: germline.
Comment: In summary, the available evidence is currently insufficient to determine the role of this variant in disease. Therefore, it has been classified as a Variant of Uncertain Significance. Algorithms developed to predict the effect of missense changes on protein structure and function (SIFT, PolyPhen-2, Align-GVGD) all suggest that this variant is likely to be disruptive. ClinVar contains an entry for this variant (Variation ID: 1465515). This variant has not been reported in the literature in individuals affected with DNAH1-related conditions. This variant is not present in population databases (gnomAD no frequency). This sequence change replaces glycine, which is neutral and non-polar, with arginine, which is basic and polar, at codon 1552 of the DNAH1 protein (p.Gly1552Arg).